The following is an entry in ClinVar:

NM_002709.3(PPP1CB):c.416-3C>T

Gene: PPP1CB (protein phosphatase 1 catalytic subunit beta; plus strand). Cytogenetic location: 2p23.2.
Variant type: single nucleotide variant.
Coding change: c.416-3C>T on transcript NM_002709.3 (MANE Select); 3 bases into the intron before coding-DNA position 416, C replaced by T.
Molecular consequence: intron variant.
Genome position (GRCh38, 1-based): chr2:28,781,735, C>T. VCF-style: chr2-28781735-C-T. GRCh37 (hg19) VCF-style: chr2-29004601-C-T.
Other names: c.416-3C>T (NM_206876.2, NM_206876.1).
Identifiers: ClinVar variation 1423051 (VCV001423051.10), dbSNP rs201449923, ClinGen allele CA1589225.

ClinVar aggregate classification (germline): Conflicting classifications of pathogenicity. Review status: criteria provided, conflicting classifications (1 of 4 stars). 4 submissions from 4 submitters: Uncertain significance (2); Benign (1); Likely benign (1). Last evaluated 2025-12-31.

Conditions:
Cardiovascular phenotype. Identifiers: MedGen CN230736.

Allele frequency attached by ClinVar (database versions not stated): ExAC 0.00005; gnomAD exomes 0.00006; TOPMed 0.00008; gnomAD 0.00011 and 0.00012; 1000 Genomes Project 0.00020; 1000 Genomes Project 30x 0.00031.
gnomAD v4.1: 203 of 1,588,298 alleles (0.013%); highest among the groups gnomAD compares: Middle Eastern, 0.017%; no homozygotes.

Submissions (4):

Labcorp Genetics (formerly Invitae), Labcorp
Classification: Uncertain significance. Last evaluated: 2025-12-31. Review status: criteria provided, single submitter. Criteria: Invitae Variant Classification Sherloc (09022015). Collection method: clinical testing. Allele origin: germline.
Comment: This sequence change falls in intron 4 of the PPP1CB gene. It does not directly change the encoded amino acid sequence of the PPP1CB protein. It affects a nucleotide within the consensus splice site. This variant is present in population databases (rs201449923, gnomAD 0.01%). This variant has not been reported in the literature in individuals affected with PPP1CB-related conditions. ClinVar contains an entry for this variant (Variation ID: 1423051). Variants that disrupt the consensus splice site are a relatively common cause of aberrant splicing (PMID: 17576681, 9536098). Algorithms developed to predict the effect of sequence changes on RNA splicing suggest that this variant is not likely to affect RNA splicing. In summary, the available evidence is currently insufficient to determine the role of this variant in disease. Therefore, it has been classified as a Variant of Uncertain Significance.

Women's Health and Genetics/Laboratory Corporation of America, LabCorp
Classification: Benign. Last evaluated: 2025-09-19. Review status: criteria provided, single submitter. Criteria: LabCorp Variant Classification Summary - May 2015. Collection method: clinical testing. Allele origin: germline.

Ambry Genetics
Classification: Uncertain significance for Cardiovascular phenotype. Last evaluated: 2025-07-10. Review status: criteria provided, single submitter. Criteria: Ambry Variant Classification Scheme 2023. Collection method: clinical testing. Allele origin: germline.
Comment: The c.416-3C>T intronic variant results from a C to T substitution 3 nucleotides upstream from coding exon 4 in the PPP1CB gene. This nucleotide position is not well conserved in available vertebrate species. In silico splice site analysis predicts that this alteration will not have any significant effect on splicing. Based on the available evidence, the clinical significance of this variant remains unclear.

Blueprint Genetics
Classification: Likely benign. Last evaluated: 2024-10-17. Review status: criteria provided, single submitter. Criteria: ACMG Guidelines, 2015. Collection method: clinical testing. Allele origin: germline.

Literature cited by the submitters: PubMed 17576681 (cited by Labcorp Genetics (formerly Invitae), Labcorp); PubMed 9536098 (cited by Labcorp Genetics (formerly Invitae), Labcorp).